The following is an entry in ClinVar:

NM_000823.4(GHRHR):c.967C>T (p.Gln323Ter)

Gene: GHRHR (growth hormone releasing hormone receptor; plus strand). Cytogenetic location: 7p14.3.
Variant type: single nucleotide variant.
Coding change: c.967C>T on transcript NM_000823.4 (MANE Select); coding-DNA position 967, C replaced by T.
Protein change: p.Gln323Ter; replaces glutamine 323 with a stop codon.
Molecular consequence: nonsense.
Genome position (GRCh38, 1-based): chr7:30,975,861, C>T. VCF-style: chr7-30975861-C-T. GRCh37 (hg19) VCF-style: chr7-31015476-C-T.
Other names: short protein forms Q323*.
Identifiers: ClinVar variation 1064692 (VCV001064692.3), dbSNP rs2128598609, ClinGen allele CA367155747.

ClinVar aggregate classification (germline): Pathogenic (0 of 4 stars; one submission).

Conditions:
Isolated growth hormone deficiency, type 4. Also called: ISOLATED GROWTH HORMONE DEFICIENCY, TYPE IV; DWARFISM OF SINDH. Identifiers: Orphanet 684247, MedGen C4722273, MONDO:0032567, OMIM 618157.

Allele frequency attached by ClinVar (database versions not stated): gnomAD exomes below 0.00001.
gnomAD v4.1: 1 of 1,573,656 alleles (0.000064%); highest among the groups gnomAD compares: Non-Finnish European, 0.000087%; no homozygotes.

Submission:

Istanbul Faculty of Medicine, Istanbul University
Classification: Pathogenic for Isolated growth hormone deficiency, type 4. Last evaluated: 2021-03-30. Review status: no assertion criteria provided. Collection method: clinical testing. Allele origin: unknown. Affected: yes. Observed: 1 variant allele.